The following is an entry in ClinVar:

ClinVar aggregate classification (germline): Pathogenic (1 of 4 stars; one submission).

Conditions:
Hereditary spastic paraplegia 4. Also called: Spastic paraplegia 4, autosomal dominant; Spastic Paraplegia 4; Familial spastic paraplegia autosomal dominant 2. Identifiers: Orphanet 100985, MedGen C1866855, MONDO:0008438, OMIM 182601.

Submission:

Labcorp Genetics (formerly Invitae), Labcorp
Classification: Pathogenic for Hereditary spastic paraplegia 4. Last evaluated: 2016-01-17. Review status: criteria provided, single submitter. Criteria: Invitae Variant Classification Sherloc (09022015). Collection method: clinical testing. Allele origin: germline.
Comment: This sequence change is a gross deletion of the genomic region encompassing exons 13 to 16 of the SPAST gene. It is predicted to create a premature translational stop signal at codon 499 and it is expected to result in an absent or disrupted protein product. While this deletion is not anticipated to result in nonsense mediated decay, it is expected to create a truncated SPAST protein. Truncating variants in SPAST are known to be pathogenic (PMID: 20562464, 17035675). A similar deletion of exons 13 to 16 has been reported in two families affected with hereditary spastic paraplegia (PMID: 17035675, 12124993). For these reasons, this variant has been classified as Pathogenic.

NM_014946.3(SPAST):c.1494-?_1728+?del

Gene: SPAST (spastin; plus strand).
Variant type: Deletion.
Coding change: c.1494-?_1728+?del on transcript NM_014946.3.
Other names: c.1494-?_1728+?del (LRG_714t1).
Identifiers: ClinVar variation 254054 (VCV000254054.1).